The following is an entry in ClinVar:

ClinVar aggregate classification (germline): Uncertain significance. Review status: criteria provided, multiple submitters, no conflicts (2 of 4 stars). 2 submissions from 2 submitters: Uncertain significance (2). Last evaluated 2025-06-18.

Conditions:
Birt-Hogg-Dube syndrome. Also called: Birt Hogg Dubé syndrome. Identifiers: Orphanet 122, MedGen C0346010, MONDO:0800444.
Hereditary cancer-predisposing syndrome. Also called: Hereditary neoplastic syndrome; Tumor predisposition; Neoplastic Syndromes, Hereditary; Hereditary Cancer Syndrome. Identifiers: Orphanet 140162, MedGen C0027672, MeSH D009386, MONDO:0015356.

Submissions (2):

Labcorp Genetics (formerly Invitae), Labcorp
Classification: Uncertain significance for Birt-Hogg-Dube syndrome. Last evaluated: 2025-06-18. Review status: criteria provided, single submitter. Criteria: Invitae Variant Classification Sherloc (09022015). Collection method: clinical testing. Allele origin: germline.
Comment: This sequence change replaces proline, which is neutral and non-polar, with alanine, which is neutral and non-polar, at codon 112 of the FLCN protein (p.Pro112Ala). This variant is not present in population databases (gnomAD no frequency). This variant has not been reported in the literature in individuals affected with FLCN-related conditions. ClinVar contains an entry for this variant (Variation ID: 954619). Invitae Evidence Modeling of protein sequence and biophysical properties (such as structural, functional, and spatial information, amino acid conservation, physicochemical variation, residue mobility, and thermodynamic stability) indicates that this missense variant is not expected to disrupt FLCN protein function with a negative predictive value of 80%. In summary, the available evidence is currently insufficient to determine the role of this variant in disease. Therefore, it has been classified as a Variant of Uncertain Significance.

Ambry Genetics
Classification: Uncertain significance for Hereditary cancer-predisposing syndrome. Last evaluated: 2023-11-01. Review status: criteria provided, single submitter. Criteria: Ambry Variant Classification Scheme 2023. Collection method: clinical testing. Allele origin: germline.
Comment: The p.P112A variant (also known as c.334C>G), located in coding exon 2 of the FLCN gene, results from a C to G substitution at nucleotide position 334. The proline at codon 112 is replaced by alanine, an amino acid with highly similar properties. This amino acid position is highly conserved in available vertebrate species. In addition, this alteration is predicted to be deleterious by in silico analysis. Since supporting evidence is limited at this time, the clinical significance of this alteration remains unclear.

NM_144997.7(FLCN):c.334C>G (p.Pro112Ala)

Gene: FLCN (folliculin; minus strand). Cytogenetic location: 17p11.2.
Variant type: single nucleotide variant.
Coding change: c.334C>G on transcript NM_144997.7 (MANE Select); coding-DNA position 334, C replaced by G.
Protein change: p.Pro112Ala; replaces proline 112 with alanine.
Molecular consequence: missense variant.
Genome position (GRCh38, 1-based): chr17:17,226,238, G>C on the plus strand (C>G on the coding strand, the complement: FLCN is on the minus strand). VCF-style: chr17-17226238-G-C. GRCh37 (hg19) VCF-style: chr17-17129552-G-C.
Other names: c.334C>G, p.Pro112Ala (NM_001353229.2, NM_001353230.2, NM_001353231.2 and 1 more transcripts); short protein forms P112A.
Identifiers: ClinVar variation 954619 (VCV000954619.9), dbSNP rs2047244344, ClinGen allele CA398534812.